The following is an entry in ClinVar:

ClinVar aggregate classification (germline): Uncertain significance. Review status: criteria provided, multiple submitters, no conflicts (2 of 4 stars). 2 submissions from 2 submitters: Uncertain significance (2). Last evaluated 2024-11-15.

Conditions:
Evans syndrome, immunodeficiency, and premature immunosenescence associated with tripeptidyl-peptidase II deficiency. Identifiers: MedGen CN231723. Disease mechanism: loss of function.
Inborn genetic diseases. Identifiers: MedGen C0950123, MeSH D030342.

gnomAD v4.1: 8 of 1,613,660 alleles (0.0005%); highest among the groups gnomAD compares: Non-Finnish European, 0.00068%; no homozygotes.

Submissions (2):

Ambry Genetics
Classification: Uncertain significance for Inborn genetic diseases. Last evaluated: 2024-11-15. Review status: criteria provided, single submitter. Criteria: Ambry Variant Classification Scheme 2023. Collection method: clinical testing. Allele origin: germline.

Labcorp Genetics (formerly Invitae), Labcorp
Classification: Uncertain significance for Evans syndrome, immunodeficiency, and premature immunosenescence associated with tripeptidyl-peptidase II deficiency. Last evaluated: 2024-04-15. Review status: criteria provided, single submitter. Criteria: Invitae Variant Classification Sherloc (09022015). Collection method: clinical testing. Allele origin: germline.
Comment: This sequence change replaces histidine, which is basic and polar, with aspartic acid, which is acidic and polar, at codon 1086 of the TPP2 protein (p.His1086Asp). This variant is not present in population databases (gnomAD no frequency). This variant has not been reported in the literature in individuals affected with TPP2-related conditions. ClinVar contains an entry for this variant (Variation ID: 2157040). An algorithm developed to predict the effect of missense changes on protein structure and function (PolyPhen-2) suggests that this variant is likely to be tolerated. In summary, the available evidence is currently insufficient to determine the role of this variant in disease. Therefore, it has been classified as a Variant of Uncertain Significance.

NM_001330588.2(TPP2):c.3295C>G (p.His1099Asp)

Gene: TPP2 (tripeptidyl peptidase 2; plus strand). Cytogenetic location: 13q33.1.
Variant type: single nucleotide variant.
Coding change: c.3295C>G on transcript NM_001330588.2 (MANE Select); coding-DNA position 3295, C replaced by G.
Protein change: p.His1099Asp; replaces histidine 1099 with aspartic acid.
Molecular consequence: missense variant. On other transcripts: non-coding transcript variant (1).
Genome position (GRCh38, 1-based): chr13:102,664,849, C>G. VCF-style: chr13-102664849-C-G. GRCh37 (hg19) VCF-style: chr13-103317199-C-G.
Other names: c.3256C>G, p.His1086Asp (NM_001367947.1, NM_003291.4); c.3256C>G (NM_003291.2); short protein forms H1099D, H1086D.
Identifiers: ClinVar variation 2157040 (VCV002157040.5), dbSNP rs775229591, ClinGen allele CA388508062.
Genomic context (GRCh38, chr13:102,664,849, plus strand): 5'-CTCCAGGAACGAATGAAAAGACTTAATGAAATTGTTGATGCGGCAAATGCTGTTATTTCT[C>G]ATATAGATCAAACAGCCCTAGCAGTTTATATTGCAATGAAGACTGATCCCAGGCCTGATG-3'
Protein context (NP_001317517.1, residues 1089-1109): IVDAANAVIS[His1099Asp]IDQTALAVYI